The following is an entry in ClinVar:

NM_000719.7(CACNA1C):c.989C>T (p.Thr330Met)

Gene: CACNA1C (calcium voltage-gated channel subunit alpha1 C; plus strand). Cytogenetic location: 12p13.33.
Variant type: single nucleotide variant.
Coding change: c.989C>T on transcript NM_000719.7 (MANE Select); coding-DNA position 989, C replaced by T.
Protein change: p.Thr330Met; replaces threonine 330 with methionine.
Molecular consequence: missense variant.
Genome position (GRCh38, 1-based): chr12:2,493,262, C>T. VCF-style: chr12-2493262-C-T. GRCh37 (hg19) VCF-style: chr12-2602428-C-T.
Other names: c.989C>T, p.Thr330Met (NM_001129838.2, NM_001129839.2, NM_001129840.2 and 18 more transcripts); c.980C>T, p.Thr327Met (NM_001129844.2); short protein forms T330M, T327M.
Identifiers: ClinVar variation 451121 (VCV000451121.20), dbSNP rs377345545, ClinGen allele CA6388588.

ClinVar aggregate classification (germline): Uncertain significance. Review status: criteria provided, multiple submitters, no conflicts (2 of 4 stars). 5 submissions from 5 submitters: Uncertain significance (5). Last evaluated 2026-08-17.

Conditions:
Cardiovascular phenotype. Identifiers: MedGen CN230736.
CACNA1C-related disorder. Also called: CACNA1C-related disorders; CACNA1C-related condition. Identifiers: MedGen CN381092, MONDO:0700321.
Long QT syndrome (LQTS). Identifiers: MedGen C0023976, MeSH D008133, MONDO:0002442. Disease mechanism: loss of function. Inheritance: Various modes of inheritance.

Allele frequency attached by ClinVar (database versions not stated): gnomAD exomes 0.00002 and 0.00004; ExAC 0.00002; gnomAD 0.00002; TOPMed 0.00002.
gnomAD v4.1: 59 of 1,613,900 alleles (0.0037%); highest among the groups gnomAD compares: Non-Finnish European, 0.0047%; no homozygotes.

Submissions (5):

PreventionGenetics, part of Exact Sciences
Classification: Uncertain significance for CACNA1C-related condition. Last evaluated: 2026-08-17. Review status: criteria provided, single submitter. Criteria: ACMG Guidelines, 2015. Collection method: clinical testing. Allele origin: germline.
Comment: The CACNA1C c.989C>T variant is predicted to result in the amino acid substitution p.Thr330Met. This variant has been reported in an individual with Brugada syndrome (Novelli et al. 2022. PubMed ID: 34999275). This variant is reported in 0.0041% of alleles in individuals of African descent in gnomAD. At this time, the clinical significance of this variant is uncertain due to the absence of conclusive functional and genetic evidence.

Labcorp Genetics (formerly Invitae), Labcorp
Classification: Uncertain significance for Long QT syndrome. Last evaluated: 2025-12-27. Review status: criteria provided, single submitter. Criteria: Invitae Variant Classification Sherloc (09022015). Collection method: clinical testing. Allele origin: germline.
Comment: This sequence change replaces threonine, which is neutral and polar, with methionine, which is neutral and non-polar, at codon 330 of the CACNA1C protein (p.Thr330Met). This variant is present in population databases (rs377345545, gnomAD 0.004%). This missense change has been observed in individual(s) with Brugada syndrome (PMID: 34999275). ClinVar contains an entry for this variant (Variation ID: 451121). Invitae Evidence Modeling of protein sequence and biophysical properties (such as structural, functional, and spatial information, amino acid conservation, physicochemical variation, residue mobility, and thermodynamic stability) indicates that this missense variant is not expected to disrupt CACNA1C protein function with a negative predictive value of 80%. In summary, the available evidence is currently insufficient to determine the role of this variant in disease. Therefore, it has been classified as a Variant of Uncertain Significance.

Ambry Genetics
Classification: Uncertain significance for Cardiovascular phenotype. Last evaluated: 2025-09-04. Review status: criteria provided, single submitter. Criteria: Ambry Variant Classification Scheme 2023. Collection method: clinical testing. Allele origin: germline.
Comment: The p.T330M variant (also known as c.989C>T), located in coding exon 7 of the CACNA1C gene, results from a C to T substitution at nucleotide position 989. The threonine at codon 330 is replaced by methionine, an amino acid with similar properties. This amino acid position is highly conserved in available vertebrate species. In addition, this alteration is predicted to be deleterious by in silico analysis. Based on data from gnomAD, the frequency for this variant is above the maximum credible frequency for a disease-causing variant in this gene based on internally established thresholds (Karczewski et al. Nature. 2020 May;581(7809):434-443; Whiffin et al. Genet Med. 2017 10;19:1151-1158). Based on the available evidence, the clinical significance of this variant remains unclear.

GeneDx
Classification: Uncertain significance. Last evaluated: 2024-10-15. Review status: criteria provided, single submitter. Criteria: GeneDx Variant Classification Process June 2021. Collection method: clinical testing. Allele origin: germline. Affected: yes.
Comment: Identified in a patient with Brugada syndrome in published literature (PMID: 34999275); In silico analysis supports that this missense variant has a deleterious effect on protein structure/function; This variant is associated with the following publications: (PMID: 26110843, 34999275)

Blueprint Genetics
Classification: Uncertain significance. Last evaluated: 2024-05-24. Review status: criteria provided, single submitter. Criteria: ACMG Guidelines, 2015. Collection method: clinical testing. Allele origin: germline.

Literature cited by the submitters: PubMed 34999275 (cited by Labcorp Genetics (formerly Invitae), Labcorp).